The following is an entry in ClinVar:

NM_007074.4(CORO1A):c.855_856del (p.Cys285fs)

Gene: CORO1A (coronin 1A; plus strand). Cytogenetic location: 16p11.2.
Variant type: Microsatellite.
Coding change: c.855_856del on transcript NM_007074.4 (MANE Select); coding-DNA positions 855 to 856, 2 bases deleted (TG; older notation c.855_856delTG).
Protein change: p.Cys285fs; shifts the reading frame from cysteine 285.
Molecular consequence: frameshift variant.
Genome position (GRCh38, 1-based): chr16:30,187,823-30,187,824, TG deleted; deleting any 2 consecutive bases within chr16:30,187,821-30,187,824 gives the same sequence; the c. name uses the placement nearest the transcript's 3' end. VCF-style (leftmost placement, unchanged base first): chr16-30187820-CTG-C. GRCh37 (hg19) VCF-style: chr16-30199141-CTG-C.
Other names: c.855_856del, p.Cys285fs (NM_001193333.3); short protein forms C285fs.
Identifiers: ClinVar variation 1381990 (VCV001381990.6), dbSNP rs2151063096, ClinGen allele CA2580613458.

ClinVar aggregate classification (germline): Pathogenic (1 of 4 stars; one submission).

Conditions:
Severe combined immunodeficiency due to CORO1A deficiency. Also called: IMMUNODEFICIENCY 8 WITH LYMPHOPROLIFERATION; Immunodeficiency 8. Identifiers: Orphanet 228003, MedGen C3809383, MONDO:0014168, OMIM 615401.

Submission:

Labcorp Genetics (formerly Invitae), Labcorp
Classification: Pathogenic for Severe combined immunodeficiency due to CORO1A deficiency. Last evaluated: 2025-08-18. Review status: criteria provided, single submitter. Criteria: Invitae Variant Classification Sherloc (09022015). Collection method: clinical testing. Allele origin: germline.
Comment: This sequence change creates a premature translational stop signal (p.Cys285Trpfs*4) in the CORO1A gene. It is expected to result in an absent or disrupted protein product. Loss-of-function variants in CORO1A are known to be pathogenic (PMID: 18836449, 25073507). This variant is not present in population databases (gnomAD no frequency). This variant has not been reported in the literature in individuals affected with CORO1A-related conditions. For these reasons, this variant has been classified as Pathogenic.

Literature cited by the submitters: PubMed 18836449; PubMed 25073507.